The following is an entry in ClinVar:

NM_004281.4(BAG3):c.1259C>A (p.Pro420Gln)

Gene: BAG3 (BAG cochaperone 3; plus strand). Cytogenetic location: 10q26.11.
Variant type: single nucleotide variant.
Coding change: c.1259C>A on transcript NM_004281.4 (MANE Select); coding-DNA position 1259, C replaced by A.
Protein change: p.Pro420Gln; replaces proline 420 with glutamine.
Molecular consequence: missense variant.
Genome position (GRCh38, 1-based): chr10:119,676,813, C>A. VCF-style: chr10-119676813-C-A. GRCh37 (hg19) VCF-style: chr10-121436325-C-A.
Other names: short protein forms P420Q.
Identifiers: ClinVar variation 1762523 (VCV001762523.7), dbSNP rs1303615373, ClinGen allele CA378296936.

ClinVar aggregate classification (germline): Uncertain significance. Review status: criteria provided, multiple submitters, no conflicts (2 of 4 stars). 2 submissions from 2 submitters: Uncertain significance (2). Last evaluated 2025-04-17.

Conditions:
Cardiovascular phenotype. Identifiers: MedGen CN230736.
Myofibrillar myopathy 6. Identifiers: Orphanet 199340, MedGen C2751831, MONDO:0013061, OMIM 612954.
Dilated cardiomyopathy 1HH (CMD1HH). Identifiers: Orphanet 154, MedGen C3151293, MONDO:0013479, OMIM 613881.

Allele frequency attached by ClinVar (database versions not stated): gnomAD 0.00001.
gnomAD v4.1: 1 of 1,614,054 alleles (0.000062%); highest among the groups gnomAD compares: African/African-American, 0.0013%; no homozygotes.

Submissions (2):

Labcorp Genetics (formerly Invitae), Labcorp
Classification: Uncertain significance for Dilated cardiomyopathy 1HH; Myofibrillar myopathy 6. Last evaluated: 2025-04-17. Review status: criteria provided, single submitter. Criteria: Invitae Variant Classification Sherloc (09022015). Collection method: clinical testing. Allele origin: germline.
Comment: This sequence change replaces proline, which is neutral and non-polar, with glutamine, which is neutral and polar, at codon 420 of the BAG3 protein (p.Pro420Gln). This variant is not present in population databases (gnomAD no frequency). This variant has not been reported in the literature in individuals affected with BAG3-related conditions. ClinVar contains an entry for this variant (Variation ID: 1762523). Invitae Evidence Modeling of protein sequence and biophysical properties (such as structural, functional, and spatial information, amino acid conservation, physicochemical variation, residue mobility, and thermodynamic stability) indicates that this missense variant is expected to disrupt BAG3 protein function with a positive predictive value of 80%. In summary, the available evidence is currently insufficient to determine the role of this variant in disease. Therefore, it has been classified as a Variant of Uncertain Significance.

Ambry Genetics
Classification: Uncertain significance for Cardiovascular phenotype. Last evaluated: 2021-03-31. Review status: criteria provided, single submitter. Criteria: Ambry Variant Classification Scheme 2023. Collection method: clinical testing. Allele origin: germline.
Comment: The p.P420Q variant (also known as c.1259C>A), located in coding exon 4 of the BAG3 gene, results from a C to A substitution at nucleotide position 1259. The proline at codon 420 is replaced by glutamine, an amino acid with similar properties. This amino acid position is highly conserved in available vertebrate species. In addition, the in silico prediction for this alteration is inconclusive. Since supporting evidence is limited at this time, the clinical significance of this alteration remains unclear.